The following is an entry in ClinVar:

NM_031407.7(HUWE1):c.10484C>T (p.Thr3495Ile)

Gene: HUWE1 (HECT, UBA and WWE domain containing E3 ubiquitin protein ligase 1; minus strand). Cytogenetic location: Xp11.22.
Variant type: single nucleotide variant.
Coding change: c.10484C>T on transcript NM_031407.7 (MANE Select); coding-DNA position 10484, C replaced by T.
Protein change: p.Thr3495Ile; replaces threonine 3495 with isoleucine.
Molecular consequence: missense variant.
Genome position (GRCh38, 1-based): chrX:53,547,825, G>A on the plus strand (C>T on the coding strand, the complement: HUWE1 is on the minus strand). VCF-style: chrX-53547825-G-A. GRCh37 (hg19) VCF-style: chrX-53574786-G-A.
Other names: c.10481C>T, p.Thr3494Ile (NM_001441048.1, NM_001441053.1, NM_001441056.1 and 2 more transcripts); c.10484C>T, p.Thr3495Ile (NM_001441049.1, NM_001441054.1, NM_001441057.1); c.10505C>T, p.Thr3502Ile (NM_001441050.1, NM_001441055.1); c.10082C>T, p.Thr3361Ile (NM_001441052.1); short protein forms T3361I, T3494I, T3495I, T3502I.
Identifiers: ClinVar variation 4885517 (VCV004885517.2).

ClinVar aggregate classification (germline): Uncertain significance (1 of 4 stars; one submission).

Submission:

Dasa
Classification: Uncertain significance. Last evaluated: 2025-06-05. Review status: criteria provided, single submitter. Criteria: DASA Assertion Criteria. Collection method: clinical testing. Allele origin: germline.
Comment: NM_031407.7(HUWE1):c.10484C>T (p.Thr3495Ile) is a missense variant that results in the substitution of threonine with isoleucine. This variant is absent from population databases. Computational prediction algorithms are consistent with a benign effect. The currently available literature and clinical evidence are not sufficient to establish a definitive association between this variant and the reported condition. Therefore, this variant is classified as a variant of uncertain significance.